The following is an entry in ClinVar:

ClinVar aggregate classification (germline): Uncertain significance (1 of 4 stars; one submission).

Conditions:
Immunodeficiency 19 (IMD19). Also called: CD3-DELTA DEFICIENCY; SEVERE COMBINED IMMUNODEFICIENCY, T CELL-NEGATIVE, B CELL-POSITIVE, NK CELL-POSITIVE; SCID, T CELL-NEGATIVE, B CELL-POSITIVE, NK CELL-POSITIVE; IMMUNODEFICIENCY 19, SEVERE COMBINED. Identifiers: MedGen C3810147, MONDO:0014280, OMIM 615617.

Allele frequency attached by ClinVar (database versions not stated): gnomAD 0.00001.
gnomAD v4.1: 1 of 1,613,376 alleles (0.000062%); highest among the groups gnomAD compares: East Asian, 0.0022%; no homozygotes.

Submission:

Labcorp Genetics (formerly Invitae), Labcorp
Classification: Uncertain significance for Immunodeficiency 19. Last evaluated: 2022-07-19. Review status: criteria provided, single submitter. Criteria: Invitae Variant Classification Sherloc (09022015). Collection method: clinical testing. Allele origin: germline.
Comment: In summary, the available evidence is currently insufficient to determine the role of this variant in disease. Therefore, it has been classified as a Variant of Uncertain Significance. Algorithms developed to predict the effect of sequence changes on RNA splicing suggest that this variant may create or strengthen a splice site. Algorithms developed to predict the effect of missense changes on protein structure and function (SIFT, PolyPhen-2, Align-GVGD) all suggest that this variant is likely to be tolerated. ClinVar contains an entry for this variant (Variation ID: 1503308). This variant has not been reported in the literature in individuals affected with CD3D-related conditions. This variant is not present in population databases (gnomAD no frequency). This sequence change replaces threonine, which is neutral and polar, with serine, which is neutral and polar, at codon 14 of the CD3D protein (p.Thr14Ser).

NM_000732.6(CD3D):c.41C>G (p.Thr14Ser)

Gene: CD3D (CD3 delta subunit of T-cell receptor complex; minus strand). Cytogenetic location: 11q23.3.
Variant type: single nucleotide variant.
Coding change: c.41C>G on transcript NM_000732.6 (MANE Select); coding-DNA position 41, C replaced by G.
Protein change: p.Thr14Ser; replaces threonine 14 with serine.
Molecular consequence: missense variant.
Genome position (GRCh38, 1-based): chr11:118,342,567, G>C on the plus strand (C>G on the coding strand, the complement: CD3D is on the minus strand). VCF-style: chr11-118342567-G-C. GRCh37 (hg19) VCF-style: chr11-118213282-G-C.
Other names: c.41C>G, p.Thr14Ser (NM_001040651.2); short protein forms T14S.
Identifiers: ClinVar variation 1503308 (VCV001503308.8), dbSNP rs200847716, ClinGen allele CA382790557.